The following is an entry in ClinVar:

ClinVar aggregate classification (germline): Pathogenic/Likely pathogenic/Pathogenic, low penetrance. Review status: criteria provided, multiple submitters, no conflicts (2 of 4 stars). 44 submissions from 43 submitters: Pathogenic (30); Likely pathogenic (5); Pathogenic, low penetrance (2). 7 of the submissions do not count toward it. Last evaluated 2026-09-01.

Conditions:
Ectodermal dysplasia WNT10A related. Identifiers: MedGen CN305516, MONDO:0100358.
WNT10A-related disorder. Also called: WNT10A-related disorders; WNT10A-related condition.
Schöpf-Schulz-Passarge syndrome. Also called: KERATOSIS PALMOPLANTARIS WITH CYSTIC EYELIDS, HYPODONTIA, AND HYPOTRICHOSIS; ECCRINE TUMORS WITH ECTODERMAL DYSPLASIA; SchC6pf-Schulz-Passarge syndrome. Identifiers: Orphanet 50944, MedGen C1857069, MONDO:0009145, OMIM 224750.
Tooth agenesis, selective, 4 (STHAG4). Also called: SUCCEDANEOUS TEETH, AGENESIS OF; TOOTH AGENESIS, SELECTIVE, 4, WITH OR WITHOUT ECTODERMAL DYSPLASIA; LATERAL INCISORS, ABSENCE OF; LATERAL INCISORS, PEGGED OR MISSING. Identifiers: Orphanet 99798, MedGen C1835492, MONDO:0007881, OMIM 150400. Disease mechanism: loss of function.
Inborn genetic diseases. Identifiers: MedGen C0950123, MeSH D030342.
Odonto-onycho-dermal dysplasia. Identifiers: Orphanet 2721, MedGen C0796093, MONDO:0009773, OMIM 257980.
Multiple congenital anomalies/dysmorphic syndrome-intellectual disability. Identifiers: Orphanet 102283, MedGen C5680372, MONDO:0015159.
Hypohidrotic ectodermal dysplasia (HED). Identifiers: Orphanet 238468, MedGen C5848103, MONDO:0016535, HP:0007607.
Tooth agenesis. Also called: Reduced number of teeth; Decreased number of teeth; Decreased tooth count; Failure of development of some teeth; Fewer teeth than normal; Missing some teeth. Identifiers: MedGen C4024202, HP:0009804, MONDO:0005486.
Ectodermal dysplasia. Also called: Ectodermal dysplasia syndrome. Identifiers: Orphanet 79373, MedGen C0013575, MONDO:0019287, HP:0000968.

Allele frequency attached by ClinVar (database versions not stated): 1000 Genomes Project 30x 0.00578; TOPMed 0.01462; gnomAD 0.01412 and 0.01450; gnomAD exomes 0.02168 and 0.01392; 1000 Genomes Project 0.00599; ExAC 0.01273.

Submissions 1 to 7 of 44:

CeGaT Center for Human Genetics Tuebingen
Classification: Pathogenic. Last evaluated: 2026-09-01. Review status: criteria provided, single submitter. Criteria: CeGaT Center For Human Genetics Tuebingen Variant Classification Criteria Version 2. Collection method: clinical testing. Allele origin: germline. Affected: yes. Observed: 21 variant alleles.
Comment: WNT10A: PM3:Very Strong, PP1:Strong, PM2:Supporting, PP3

Institute of Medical Genetics and Applied Genomics, University Hospital Tübingen
Classification: Pathogenic for Tooth agenesis, selective, 4. Last evaluated: 2026-07-16. Review status: criteria provided, single submitter. Criteria: ACMG Guidelines, 2015. Collection method: clinical testing. Allele origin: germline. Inheritance: Autosomal dominant inheritance. Affected: yes.

Genetics Laboratory, Great Ormond Street Hospital NHS Foundation Trust, North Thames Genomic Laboratory Hub
Classification: Pathogenic, low penetrance for Ectodermal dysplasia. Last evaluated: 2026-06-19. Review status: criteria provided, single submitter. Criteria: ACGS Best Practice Guidelines for Variant Classification in Rare Disease 2024 v1.2. Collection method: clinical testing. Allele origin: germline. Affected: yes.
Comment: BS1_strong, PP3_supporting, PS3_supporting, PP1_supporting, PM3_very-strong

Lupski Lab, Baylor-Hopkins CMG, Baylor College of Medicine
Classification: Pathogenic for Odonto-onycho-dermal dysplasia. Last evaluated: 2026-06-05. Review status: criteria provided, single submitter. Criteria: ACMG Guidelines, 2015. Collection method: research. Allele origin: maternal, paternal, germline. Inheritance: Autosomal recessive inheritance. Affected: yes and no. Observed: 21 variant alleles, 10 heterozygotes, 10 compound heterozygotes, 1 homozygote. Clinical features observed: Dry skin (HP:0000958), Sparse scalp hair (HP:0002209), Coarse hair (HP:0002208), Thin nail (HP:0001816), Tooth agenesis (HP:0009804), Hypodontia (HP:0000668), Small, conical teeth (HP:0200141), Abnormal dental morphology (HP:0006482), Irregular dentition (HP:0040079), Microdontia (HP:0000691), Widely spaced teeth (HP:0000687), Hemihypertrophy (HP:0001528), and 53 more. Segregation with disease observed.
Comment: This c.682T>A variant segregates with Ectodermal dysplasia 16 in 5 unrelated families in our cohort. Two families involve affected sibling pairs. (PP1_Supporting= +1pt). This variant has an AlphaMissense score of 0.953 (PP3_Moderate= +2pts). The affected individuals in this submission have a Pathogenic variant in trans (1 family with WNT10A:p.Gln178GlyfsTer7, 3 families with WNT10A:p.Cys107Ter, and one family is homozygous for WNT10A:p.Phe228Ile) (PM3_Very Strong= +8pts). 11 pts (PP1 +1, PP3 +2, PM3 +8).

PreventionGenetics, part of Exact Sciences
Classification: Pathogenic for WNT10A-related condition. Last evaluated: 2026-05-07. Review status: criteria provided, single submitter. Criteria: ACMG Guidelines, 2015. Collection method: clinical testing. Allele origin: germline.
Comment: The WNT10A c.682T>A variant is predicted to result in the amino acid substitution p.Phe228Ile. This variant has been reported in the heterozygous and compound heterozygous states as the most common variant found in patients affected with taurodontism, non-syndromic missing teeth, or mild ectodermal dysplasia (Vink et al. 2014. PubMed ID: 24398796; Yang et al. 2015. PubMed ID: 25629078; Arzoo et al. 2014. PubMed ID: 24449199; Bergendal et al. 2016. PubMed ID: 27881089; Guazzarotti et al. 2018. PubMed ID: 28976000); however, this variant was also observed in a genomic variant database with minor allele frequencies ranging from 0% to ~3.5%, with >40 homozygotes listed (gnomAD). Incomplete penetrance has been documented for this variant (Yang et al. 2015. PubMed ID: 25629078). Based on this evidence, this variant is interpreted as pathogenic.

Victorian Clinical Genetics Services, Murdoch Childrens Research Institute
Classification: Pathogenic for Ectodermal dysplasia WNT10A related. Last evaluated: 2026-04-15. Review status: criteria provided, single submitter. Criteria: ACMG Guidelines, 2015. Collection method: clinical testing. Allele origin: germline. Affected: yes.
Comment: This variant is classified as Pathogenic. Evidence in support of pathogenic classification: This variant has strong previous evidence of pathogenicity in unrelated individuals. This variant has been previously reported as pathogenic in multiple unrelated homozygous, compound heterozygous and heterozygous individuals with WNT10A-related ectodermal dysplasia, oligodontia and tooth agenesis (ClinVar, PMIDs: 19559398, 30426266, 30046887, 28813618, 34228861); Missense variant predicted to be damaging by in silico tool(s) or highly conserved with a major amino acid change. Additional information: Variant is predicted to result in a missense amino acid change from Phe to Ile; This variant is heterozygous; This gene is associated with both recessive and dominant disease. Milder phenotypes are associated with dominant inheritance (OMIM, PMIDs: 19559398, 30426266); Variant is present in gnomAD (v4) >=0.03 and <0.05 for a recessive condition (32529 heterozygotes, 449 homozygotes); No comparable missense variants have previous evidence for pathogenicity; Variant is located in the annotated Wnt domain (NCBI); Loss of function is a known mechanism of disease in this gene and is associated with odontoonychodermal dysplasia (MIM#257980), Schopf-Schulz-Passarge syndrome (MIM#224750) and selective tooth agenesis 4 (MIM#150400); The condition associated with this gene has incomplete penetrance (OMIM, PMIDs: 19559398, 30426266); Variants in this gene are known to have variable expressivity. The same variants have been associated with all three OMIM phenotypes, with both dominant and recessive inheritance, and there is a high degree of variability of phenotypic expression (OMIM, PMIDs: 19559398, 30426266); Inheritance information for this variant is not currently available in this individual.

Labcorp Genetics (formerly Invitae), Labcorp
Classification: Pathogenic, low penetrance for Tooth agenesis, selective, 4; Odonto-onycho-dermal dysplasia. Last evaluated: 2026-02-02. Review status: criteria provided, single submitter. Criteria: Invitae Variant Classification Sherloc (09022015). Collection method: clinical testing. Allele origin: germline.
Comment: This sequence change replaces phenylalanine, which is neutral and non-polar, with isoleucine, which is neutral and non-polar, at codon 228 of the WNT10A protein (p.Phe228Ile). This variant is present in population databases (rs121908120, gnomAD 3%), including at least one homozygous and/or hemizygous individual. This variant has been observed in many individuals with autosomal recessive forms of ectodermal dysplasia (PMID: 19559398, 28976000, 30974434, internal data). It has been found in trans (on the opposite chromosome) from many different pathogenic variants. Based on an internal analysis, this variant is associated with reduced penetrance for autosomal recessive disease (15% when in homozygosity and 30-60% when present with another pathogenic variant) compared to other pathogenic or likely pathogenic variants, which have a penetrance of 70-80% (internal data). In addition, in a large meta-analysis, this variant conferred a 2.25-3.42-fold increased risk (95% CI: 1.39-4.10) for isolated tooth agenesis, the autosomal dominant condition associated with WNT10A (PMID: 29364747). ClinVar contains an entry for this variant (Variation ID: 4462). Invitae Evidence Modeling of protein sequence and biophysical properties (such as structural, functional, and spatial information, amino acid conservation, physicochemical variation, residue mobility, and thermodynamic stability) indicates that this missense variant is expected to disrupt WNT10A protein function with a positive predictive value of 80%. In summary, this variant is reported to cause disease. However, because this variant is associated with a lower penetrance form of disease than other pathogenic alleles in the WNT10A gene, and because it is found in homozygosity in healthy individuals, it has been classified as Pathogenic (low penetrance).

NM_025216.3(WNT10A):c.682T>A (p.Phe228Ile)

Gene: WNT10A (Wnt family member 10A; plus strand). Cytogenetic location: 2q35.
Variant type: single nucleotide variant.
Coding change: c.682T>A on transcript NM_025216.3 (MANE Select); coding-DNA position 682, T replaced by A.
Protein change: p.Phe228Ile; replaces phenylalanine 228 with isoleucine.
Molecular consequence: missense variant.
Genome position (GRCh38, 1-based): chr2:218,890,289, T>A. VCF-style: chr2-218890289-T-A. GRCh37 (hg19) VCF-style: chr2-219755011-T-A.
Other names: short protein forms F228I.
Identifiers: ClinVar variation 4462 (VCV000004462.120), dbSNP rs121908120, ClinGen allele CA116867.